The following is an entry in ClinVar:

ClinVar aggregate classification (germline): Uncertain significance. Review status: criteria provided, multiple submitters, no conflicts (2 of 4 stars). 2 submissions from 2 submitters: Uncertain significance (2). Last evaluated 2022-01-27.

Conditions:
Ataxia - oculomotor apraxia type 4. Identifiers: Orphanet 459033, MedGen C4225397, MONDO:0014557, OMIM 616267.
Microcephaly, seizures, and developmental delay. Identifiers: Orphanet 1934, MedGen C3150667, MONDO:0013254, OMIM 613402.
Developmental and epileptic encephalopathy, 12 (DEE12). Identifiers: MedGen C3150988, MONDO:0013389, OMIM 613722.

Allele frequency attached by ClinVar (database versions not stated): gnomAD 0.00001; TOPMed 0.00001.
gnomAD v4.1: 6 of 1,600,884 alleles (0.00037%); highest among the groups gnomAD compares: Admixed American, 0.0017%; no homozygotes.

Submissions (2):

Labcorp Genetics (formerly Invitae), Labcorp
Classification: Uncertain significance for Developmental and epileptic encephalopathy, 12. Last evaluated: 2022-01-27. Review status: criteria provided, single submitter. Criteria: Invitae Variant Classification Sherloc (09022015). Collection method: clinical testing. Allele origin: germline.
Comment: This sequence change replaces glutamic acid, which is acidic and polar, with glutamine, which is neutral and polar, at codon 520 of the PNKP protein (p.Glu520Gln). This variant is present in population databases (no rsID available, gnomAD 0.006%). This variant has not been reported in the literature in individuals affected with PNKP-related conditions. ClinVar contains an entry for this variant (Variation ID: 977440). Algorithms developed to predict the effect of missense changes on protein structure and function (SIFT, PolyPhen-2, Align-GVGD) all suggest that this variant is likely to be tolerated. In summary, the available evidence is currently insufficient to determine the role of this variant in disease. Therefore, it has been classified as a Variant of Uncertain Significance.

New York Genome Center
Classification: Uncertain significance for Microcephaly, seizures, and developmental delay; Ataxia - oculomotor apraxia type 4. Last evaluated: 2021-12-20. Review status: criteria provided, single submitter. Criteria: NYGC Assertion Criteria 2020. Collection method: clinical testing. Allele origin: germline. Observed: 1 heterozygote. Study: CSER-NYCKidSeq.

NM_007254.4(PNKP):c.1558G>C (p.Glu520Gln)

Gene: PNKP (polynucleotide kinase 3'-phosphatase; minus strand). Cytogenetic location: 19q13.33.
Variant type: single nucleotide variant.
Coding change: c.1558G>C on transcript NM_007254.4 (MANE Select); coding-DNA position 1558, G replaced by C.
Protein change: p.Glu520Gln; replaces glutamic acid 520 with glutamine.
Molecular consequence: missense variant.
Genome position (GRCh38, 1-based): chr19:49,861,256, C>G on the plus strand (G>C on the coding strand, the complement: PNKP is on the minus strand). VCF-style: chr19-49861256-C-G. GRCh37 (hg19) VCF-style: chr19-50364513-C-G.
Other names: short protein forms E520Q.
Identifiers: ClinVar variation 977440 (VCV000977440.6), dbSNP rs770823063, ClinGen allele CA406932357.